The following is an entry in ClinVar:

ClinVar aggregate classification (germline): Uncertain significance (1 of 4 stars; one submission).

Allele frequency attached by ClinVar (database versions not stated): gnomAD exomes below 0.00001.
gnomAD v4.1: 3 of 1,609,636 alleles (0.00019%); highest among the groups gnomAD compares: Non-Finnish European, 0.00025%; no homozygotes.

Submission:

GeneDx
Classification: Uncertain significance. Last evaluated: 2019-05-20. Review status: criteria provided, single submitter. Criteria: GeneDx Variant Classification Process June 2021. Collection method: clinical testing. Allele origin: germline. Affected: yes.
Comment: Has not been previously published as pathogenic or benign to our knowledge; Not observed in large population cohorts (Lek et al., 2016); In silico analysis, which includes protein predictors and evolutionary conservation, supports a deleterious effect

NM_002474.3(MYH11):c.2809A>G (p.Arg937Gly)

Gene: MYH11 (myosin heavy chain 11; minus strand). Cytogenetic location: 16p13.11.
Variant type: single nucleotide variant.
Coding change: c.2809A>G on transcript NM_002474.3 (MANE Select); coding-DNA position 2809, A replaced by G.
Protein change: p.Arg937Gly; replaces arginine 937 with glycine.
Molecular consequence: missense variant.
Genome position (GRCh38, 1-based): chr16:15,741,513, T>C on the plus strand (A>G on the coding strand, the complement: MYH11 is on the minus strand). VCF-style: chr16-15741513-T-C. GRCh37 (hg19) VCF-style: chr16-15835370-T-C.
Other names: c.2830A>G, p.Arg944Gly (NM_001040113.2, NM_001040114.2); c.2809A>G, p.Arg937Gly (NM_022844.3); short protein forms R937G, R944G.
Identifiers: ClinVar variation 1315686 (VCV001315686.2), dbSNP rs2041271138, ClinGen allele CA394865012.
Genomic context (GRCh38, chr16:15,741,513, plus strand): 5'-GACACCTTACCAGCATCTGCTGGGCCATCTTCTTCCTTTCAGCCTGTAGCTGCTGGCCCC[T>C]GTCTTCCTCCTCCTCCAGGCGGGCCTCCATCTCATGCAGTATCTCCTCCAGCTCCTGCTT-3'
Protein context (NP_002465.1, residues 927-947): MEARLEEEED[Arg937Gly]GQQLQAERKK